The following is an entry in ClinVar:

NM_006015.6(ARID1A):c.6308T>C (p.Phe2103Ser)

Gene: ARID1A (AT-rich interaction domain 1A; plus strand). Cytogenetic location: 1p36.11.
Variant type: single nucleotide variant.
Coding change: c.6308T>C on transcript NM_006015.6 (MANE Select); coding-DNA position 6308, T replaced by C.
Protein change: p.Phe2103Ser; replaces phenylalanine 2103 with serine.
Molecular consequence: missense variant.
Genome position (GRCh38, 1-based): chr1:26,780,206, T>C. VCF-style: chr1-26780206-T-C. GRCh37 (hg19) VCF-style: chr1-27106697-T-C.
Other names: c.5657T>C, p.Phe1886Ser (NM_139135.4); short protein forms F1886S, F2103S.
Identifiers: ClinVar variation 2571770 (VCV002571770.1), dbSNP rs2124147778, ClinGen allele CA339191585.

ClinVar aggregate classification (germline): Uncertain significance (1 of 4 stars; one submission).

Submission:

GeneDx
Classification: Uncertain significance. Last evaluated: 2023-01-10. Review status: criteria provided, single submitter. Criteria: GeneDx Variant Classification Process June 2021. Collection method: clinical testing. Allele origin: germline. Affected: yes.
Comment: Not observed at significant frequency in large population cohorts (gnomAD); In silico analysis supports that this missense variant has a deleterious effect on protein structure/function; Has not been previously published as pathogenic or benign to our knowledge